The following is an entry in ClinVar:

ClinVar aggregate classification (germline): Likely benign. Review status: criteria provided, multiple submitters, no conflicts (2 of 4 stars). 4 submissions from 4 submitters: Likely benign (4). Last evaluated 2025-06-01.

Conditions:
Treacher Collins syndrome 1 (TCS1). Also called: TCOF1-Related Treacher Collins Syndrome. Identifiers: Orphanet 861, MedGen CN315775, MONDO:0007944, OMIM 154500.

Allele frequency attached by ClinVar (database versions not stated): gnomAD 0.00002 and 0.00004; ExAC 0.00004; gnomAD exomes 0.00004; TOPMed 0.00004.
gnomAD v4.1: 28 of 1,556,968 alleles (0.0018%); highest among the groups gnomAD compares: Middle Eastern, 0.1%; no homozygotes.

Submissions (4):

CeGaT Center for Human Genetics Tuebingen
Classification: Likely benign. Last evaluated: 2025-06-01. Review status: criteria provided, single submitter. Criteria: CeGaT Center For Human Genetics Tuebingen Variant Classification Criteria Version 2. Collection method: clinical testing. Allele origin: germline. Affected: yes. Observed: 1 variant allele.
Comment: TCOF1: BP4, BP7

Labcorp Genetics (formerly Invitae), Labcorp
Classification: Likely benign for Treacher Collins syndrome 1. Last evaluated: 2023-12-06. Review status: criteria provided, single submitter. Criteria: Invitae Variant Classification Sherloc (09022015). Collection method: clinical testing. Allele origin: germline.

GeneDx
Classification: Likely benign. Last evaluated: 2020-03-04. Review status: criteria provided, single submitter. Criteria: GeneDx Variant Classification Process June 2021. Collection method: clinical testing. Allele origin: germline. Affected: yes.

Breakthrough Genomics
Classification: Likely benign. Review status: criteria provided, single submitter. Criteria: ACMG Guidelines, 2015. Collection method: not provided. Allele origin: germline. Inheritance: Autosomal dominant inheritance. Affected: yes.

NM_001371623.1(TCOF1):c.1059G>A (p.Thr353=)

Gene: TCOF1 (treacle ribosome biogenesis factor 1; plus strand). Cytogenetic location: 5q32.
Variant type: single nucleotide variant.
Coding change: c.1059G>A on transcript NM_001371623.1 (MANE Select); coding-DNA position 1059, G replaced by A.
Protein change: p.Thr353=; no amino-acid change (threonine 353 retained).
Molecular consequence: synonymous variant.
Genome position (GRCh38, 1-based): chr5:150,374,362, G>A. VCF-style: chr5-150374362-G-A. GRCh37 (hg19) VCF-style: chr5-149753925-G-A.
Other names: c.828G>A, p.Thr276= (NM_000356.4, NM_001135245.2); c.1059G>A, p.Thr353= (NM_001008657.3, NM_001135243.2, NM_001135244.2 and 1 more transcripts).
Identifiers: ClinVar variation 1220386 (VCV001220386.20), dbSNP rs764909247, ClinGen allele CA3510724.